The following is an entry in ClinVar:

ClinVar aggregate classification (germline): Uncertain significance (1 of 4 stars; one submission).

Conditions:
Noonan syndrome (NS). Also called: Noonan's syndrome. Identifiers: Orphanet 648, MedGen C0028326, MeSH D009634, MONDO:0018997. Disease mechanism: gain of function.

Allele frequency attached by ClinVar (database versions not stated): gnomAD 0.00001; gnomAD exomes 0.00002; TOPMed below 0.00001.
gnomAD v4.1: 13 of 1,613,536 alleles (0.00081%); highest among the groups gnomAD compares: South Asian, 0.0011%; no homozygotes.

Submission:

Labcorp Genetics (formerly Invitae), Labcorp
Classification: Uncertain significance for Noonan syndrome. Last evaluated: 2021-08-27. Review status: criteria provided, single submitter. Criteria: Invitae Variant Classification Sherloc (09022015). Collection method: clinical testing. Allele origin: germline.
Comment: This sequence change replaces arginine with glutamine at codon 78 of the RRAS protein (p.Arg78Gln). The arginine residue is moderately conserved and there is a small physicochemical difference between arginine and glutamine. This variant is not present in population databases (ExAC no frequency). This variant has not been reported in the literature in individuals affected with RRAS-related conditions. Algorithms developed to predict the effect of missense changes on protein structure and function (SIFT, PolyPhen-2, Align-GVGD) all suggest that this variant is likely to be tolerated. In summary, the available evidence is currently insufficient to determine the role of this variant in disease. Therefore, it has been classified as a Variant of Uncertain Significance.

NM_006270.5(RRAS):c.233G>A (p.Arg78Gln)

Gene: RRAS (RAS related; minus strand). Cytogenetic location: 19q13.33.
Variant type: single nucleotide variant.
Coding change: c.233G>A on transcript NM_006270.5 (MANE Select); coding-DNA position 233, G replaced by A.
Protein change: p.Arg78Gln; replaces arginine 78 with glutamine.
Molecular consequence: missense variant.
Genome position (GRCh38, 1-based): chr19:49,637,051, C>T on the plus strand (G>A on the coding strand, the complement: RRAS is on the minus strand). VCF-style: chr19-49637051-C-T. GRCh37 (hg19) VCF-style: chr19-50140308-C-T.
Other names: short protein forms R78Q.
Identifiers: ClinVar variation 1358751 (VCV001358751.5), dbSNP rs1162722748, ClinGen allele CA406847780.
Genomic context (GRCh38, chr19:49,637,051, plus strand): 5'-TCAGCCCCCACTGACACCACCCCCATCCATCATCCATCCTTGCCGCCCTCACTGTCCAGC[C>T]GGGCTGGGATGCCATCCACACTGCAGATCTTCGTGTAGGAGTCCTCAATAGTGGGGTCGT-3'
Protein context (NP_006261.1, residues 68-88): KICSVDGIPA[Arg78Gln]LDILDTAGQE